The following is an entry in ClinVar:

ClinVar aggregate classification (germline): Conflicting classifications of pathogenicity. Review status: criteria provided, conflicting classifications (1 of 4 stars). 3 submissions from 3 submitters: Likely pathogenic (1); Uncertain significance (1). 1 of the submissions does not count toward it. Last evaluated 2022-03-22.

Conditions:
Menkes kinky-hair syndrome (MNK). Also called: Menkes Disease; Copper transport disease; Classic Menkes Disease. Identifiers: Orphanet 565, MedGen C0022716, MONDO:0010651, OMIM 309400.

Submissions (3):

3billion
Classification: Uncertain significance for Menkes kinky-hair syndrome. Last evaluated: 2022-03-22. Review status: criteria provided, single submitter. Criteria: ACMG Guidelines, 2015. Collection method: clinical testing. Allele origin: germline. Affected: yes. Observed: 1 hemizygote.
Comment: Same nucleotide change resulting in same amino acid change has been previously reported to be associated with ATP7A related disorder (ClinVar ID: VCV000210420, PMID:21716286). It is not observed in the gnomAD v2.1.1 dataset. In silico tool predictions suggest damaging effect of the variant on gene or gene product (REVEL: 0.929>=0.6, 3CNET: 0.794>=0.75). Therefore, this variant is classified as uncertain significance according to the recommendation of ACMG/AMP guideline.

Genetic Services Laboratory, University of Chicago
Classification: Likely pathogenic for Menkes disease. Last evaluated: 2013-02-08. Review status: criteria provided, single submitter. Criteria: ACMG Guidelines, 2007. Collection method: clinical testing. Allele origin: germline. Affected: yes.

Inherited Neuropathy Consortium Ii, University Of Miami
Classification: Uncertain significance for Menkes kinky-hair syndrome. Last evaluated: 2016-01-06. Review status: no assertion criteria provided. Collection method: literature only. Allele origin: germline. Affected: yes. Not counted in ClinVar's aggregate classification.

Literature cited by the submitters: PubMed 21716286 (cited by 3billion); PubMed 8981948 (cited by Inherited Neuropathy Consortium Ii, University Of Miami).

NM_000052.7(ATP7A):c.2183G>A (p.Gly728Asp)

Gene: ATP7A (ATPase copper transporting alpha; plus strand). Cytogenetic location: Xq21.1.
Variant type: single nucleotide variant.
Coding change: c.2183G>A on transcript NM_000052.7 (MANE Select); coding-DNA position 2183, G replaced by A.
Protein change: p.Gly728Asp; replaces glycine 728 with aspartic acid.
Molecular consequence: missense variant. On other transcripts: intron variant (1).
Genome position (GRCh38, 1-based): chrX:78,012,889, G>A. VCF-style: chrX-78012889-G-A. GRCh37 (hg19) VCF-style: chrX-77268386-G-A.
Other names: c.2172+1215G>A (NM_001282224.2); c.2183G>A (NM_000052.6); short protein forms G728D.
Identifiers: ClinVar variation 210420 (VCV000210420.8), dbSNP rs797045350, ClinGen allele CA277066.